The following is an entry in ClinVar:

ClinVar aggregate classification (germline): Conflicting classifications of pathogenicity. Review status: criteria provided, conflicting classifications (1 of 4 stars). 3 submissions from 3 submitters: Uncertain significance (1); Likely benign (2). Last evaluated 2025-09-25.

Conditions:
Metachromatic leukodystrophy (MLD). Also called: METACHROMATIC LEUKOENCEPHALOPATHY; SULFATIDE LIPIDOSIS; ARSA DEFICIENCY; CEREBROSIDE SULFATASE DEFICIENCY; Cerebral sclerosis diffuse metachromatic form; Arylsulfatase A Deficiency. Identifiers: Orphanet 512, MedGen C0023522, MONDO:0018868, OMIM 250100.

Allele frequency attached by ClinVar (database versions not stated): gnomAD exomes 0.00001 and 0.00002; gnomAD 0.00002; TOPMed 0.00002; ExAC 0.00005.

Submissions (3):

Myriad Genetics, Inc.
Classification: Uncertain significance for Metachromatic leukodystrophy. Last evaluated: 2025-09-25. Review status: criteria provided, single submitter. Criteria: Myriad Autosomal Dominant, Autosomal Recessive and X-Linked Classification Criteria (2023). Collection method: clinical testing. Allele origin: unknown.
Comment: NM_000487.5(ARSA):c.222T>C(aka S74=) is a silent variant classified as a variant of uncertain significance in the context of metachromatic leukodystrophy. S74= has not been observed in cases with relevant disease. Relevant functional assessments of this variant are available in the literature (PMID: 37480112). S74= has been observed in referenced population frequency databases. In summary, there is insufficient evidence to classify NM_000487.5(ARSA):c.222T>C(aka S74=) as pathogenic or benign. Please note: this variant was assessed in the context of healthy population screening.

Labcorp Genetics (formerly Invitae), Labcorp
Classification: Likely benign for Metachromatic leukodystrophy. Last evaluated: 2025-06-18. Review status: criteria provided, single submitter. Criteria: Invitae Variant Classification Sherloc (09022015). Collection method: clinical testing. Allele origin: germline.

Blueprint Genetics
Classification: Likely benign. Last evaluated: 2023-07-31. Review status: criteria provided, single submitter. Criteria: ACMG Guidelines, 2015. Collection method: clinical testing. Allele origin: germline.

Literature cited by the submitters: PubMed 37480112 (cited by Myriad Genetics, Inc.).

NM_000487.6(ARSA):c.222T>C (p.Ser74=)

Gene: ARSA (arylsulfatase A; minus strand). Cytogenetic location: 22q13.33.
Variant type: single nucleotide variant.
Coding change: c.222T>C on transcript NM_000487.6 (MANE Select); coding-DNA position 222, T replaced by C.
Protein change: p.Ser74=; no amino-acid change (serine 74 retained).
Molecular consequence: synonymous variant. On other transcripts: intron variant (2).
Genome position (GRCh38, 1-based): chr22:50,627,558, A>G on the plus strand (T>C on the coding strand, the complement: ARSA is on the minus strand). VCF-style: chr22-50627558-A-G. GRCh37 (hg19) VCF-style: chr22-51065986-A-G.
Other names: c.222T>C, p.Ser74= (NM_001085425.3, NM_001085426.3, NM_001085427.3); c.-34-152T>C (NM_001362782.2, NM_001085428.3).
Identifiers: ClinVar variation 761006 (VCV000761006.12), dbSNP rs760597265, ClinGen allele CA10325102.